The following is an entry in ClinVar:

NM_173728.4(ARHGEF15):c.643C>T (p.His215Tyr)

Gene: ARHGEF15 (Rho guanine nucleotide exchange factor 15; plus strand). Cytogenetic location: 17p13.1.
Variant type: single nucleotide variant.
Coding change: c.643C>T on transcript NM_173728.4 (MANE Select); coding-DNA position 643, C replaced by T.
Protein change: p.His215Tyr; replaces histidine 215 with tyrosine.
Molecular consequence: missense variant.
Genome position (GRCh38, 1-based): chr17:8,312,963, C>T. VCF-style: chr17-8312963-C-T. GRCh37 (hg19) VCF-style: chr17-8216281-C-T.
Other names: c.643C>T, p.His215Tyr (NM_025014.2); short protein forms H215Y.
Identifiers: ClinVar variation 2878497 (VCV002878497.3), dbSNP rs2543929141, ClinGen allele CA398015432.
Genomic context (GRCh38, chr17:8,312,963, plus strand): 5'-GGCTACCTGTCTCCCACAGATGCTGGCCTGGCCTGCCCTCCCTGCTGCCCCTGTGTCTGC[C>T]ACACCACCCGGCCTGGCCTGGAGCTCAGATGGGTGCCTGTGGGGGGCTATGAGGAGGTCC-3'
Protein context (NP_776089.2, residues 205-225): ACPPCCPCVC[His215Tyr]TTRPGLELRW

ClinVar aggregate classification (germline): Uncertain significance (1 of 4 stars; one submission).

Conditions:
Early-infantile DEE. Also called: Ohtahara syndrome; Early infantile epileptic encephalopathy; Early infantile epileptic encephalopathy with suppression bursts. Identifiers: Orphanet 1934, MedGen C0393706, MONDO:0800491.

Allele frequency attached by ClinVar (database versions not stated): gnomAD exomes below 0.00001.

Submission:

Labcorp Genetics (formerly Invitae), Labcorp
Classification: Uncertain significance for Early-infantile DEE. Last evaluated: 2023-05-17. Review status: criteria provided, single submitter. Criteria: Invitae Variant Classification Sherloc (09022015). Collection method: clinical testing. Allele origin: germline.
Comment: In summary, the available evidence is currently insufficient to determine the role of this variant in disease. Therefore, it has been classified as a Variant of Uncertain Significance. An algorithm developed to predict the effect of missense changes on protein structure and function (PolyPhen-2) suggests that this variant is likely to be disruptive. This variant has not been reported in the literature in individuals affected with ARHGEF15-related conditions. This variant is not present in population databases (gnomAD no frequency). This sequence change replaces histidine, which is basic and polar, with tyrosine, which is neutral and polar, at codon 215 of the ARHGEF15 protein (p.His215Tyr).